The following is an entry in ClinVar:

ClinVar aggregate classification (germline): Uncertain significance. Review status: criteria provided, multiple submitters, no conflicts (2 of 4 stars). 3 submissions from 3 submitters: Uncertain significance (2). 1 of the submissions does not count toward it. Last evaluated 2023-12-20.

Conditions:
Retinitis pigmentosa 66 (RP66). Identifiers: Orphanet 791, MedGen C3715216, MONDO:0014093, OMIM 615233.

Allele frequency attached by ClinVar (database versions not stated): TOPMed 0.00002; gnomAD exomes 0.00003; gnomAD 0.00004; 1000 Genomes Project 0.00020; 1000 Genomes Project 30x 0.00031.

Submissions (3):

Blueprint Genetics
Classification: Uncertain significance. Last evaluated: 2023-12-20. Review status: criteria provided, single submitter. Criteria: ACMG Guidelines, 2015. Collection method: clinical testing. Allele origin: germline.

Labcorp Genetics (formerly Invitae), Labcorp
Classification: Uncertain significance. Last evaluated: 2022-01-15. Review status: criteria provided, single submitter. Criteria: Invitae Variant Classification Sherloc (09022015). Collection method: clinical testing. Allele origin: germline.
Comment: This sequence change replaces glutamine, which is neutral and polar, with arginine, which is basic and polar, at codon 518 of the RBP3 protein (p.Gln518Arg). The frequency data for this variant in the population databases is considered unreliable, as metrics indicate poor data quality at this position in the gnomAD database. This missense change has been observed in individual(s) with retinal degeneration (PMID: 19074801). ClinVar contains an entry for this variant (Variation ID: 208306). Algorithms developed to predict the effect of missense changes on protein structure and function output the following: SIFT: "Tolerated"; PolyPhen-2: "Benign"; Align-GVGD: "Class C0". The arginine amino acid residue is found in multiple mammalian species, which suggests that this missense change does not adversely affect protein function. In summary, the available evidence is currently insufficient to determine the role of this variant in disease. Therefore, it has been classified as a Variant of Uncertain Significance.

ClinVar Staff, National Center for Biotechnology Information (NCBI)
Classification: Uncertain significance for Retinitis pigmentosa 66. Last evaluated: 2013-06-27. Review status: no assertion criteria provided. Collection method: literature only. Allele origin: germline. Affected: yes. Not counted in ClinVar's aggregate classification.

Literature cited by the submitters: PubMed 19074801 (cited by Labcorp Genetics (formerly Invitae), Labcorp and ClinVar Staff, National Center for Biotechnology Information (NCBI)).

NM_002900.3(RBP3):c.1553A>G (p.Gln518Arg)

Gene: RBP3 (retinol binding protein 3; plus strand). Cytogenetic location: 10q11.22.
Variant type: single nucleotide variant.
Coding change: c.1553A>G on transcript NM_002900.3 (MANE Select); coding-DNA position 1553, A replaced by G.
Protein change: p.Gln518Arg; replaces glutamine 518 with arginine.
Molecular consequence: missense variant.
Genome position (GRCh38, 1-based): chr10:47,350,037, A>G. VCF-style: chr10-47350037-A-G. GRCh37 (hg19) VCF-style: chr10-48389325-T-C.
Other names: short protein forms Q518R.
Identifiers: ClinVar variation 208306 (VCV000208306.9), dbSNP rs563600593, ClinGen allele CA350968.